The following is an entry in ClinVar:

NM_181426.2(CCDC39):c.277G>T (p.Glu93Ter)

Gene: CCDC39 (coiled-coil domain 39 molecular ruler complex subunit; minus strand). Cytogenetic location: 3q26.33.
Variant type: single nucleotide variant.
Coding change: c.277G>T on transcript NM_181426.2 (MANE Select); coding-DNA position 277, G replaced by T.
Protein change: p.Glu93Ter; replaces glutamic acid 93 with a stop codon.
Molecular consequence: nonsense.
Genome position (GRCh38, 1-based): chr3:180,661,941, C>A on the plus strand (G>T on the coding strand, the complement: CCDC39 is on the minus strand). VCF-style: chr3-180661941-C-A. GRCh37 (hg19) VCF-style: chr3-180379729-C-A.
Other names: short protein forms E93*.
Identifiers: ClinVar variation 1795913 (VCV001795913.2), dbSNP rs2473826256, ClinGen allele CA355303998.

ClinVar aggregate classification (germline): Pathogenic (1 of 4 stars; one submission).

Conditions:
Primary ciliary dyskinesia. Also called: Ciliary dyskinesia. Identifiers: Orphanet 244, MedGen C0008780, MONDO:0016575, HP:0012265.

Submission:

Ambry Genetics
Classification: Pathogenic for Primary ciliary dyskinesia. Last evaluated: 2017-08-08. Review status: criteria provided, single submitter. Criteria: Ambry Variant Classification Scheme 2023. Collection method: clinical testing. Allele origin: germline.
Comment: The p.E93* pathogenic mutation (also known as c.277G>T), located in coding exon 3 of the CCDC39 gene, results from a G to T substitution at nucleotide position 277. This changes the amino acid from a glutamic acid to a stop codon within coding exon 3. This alteration is expected to result in loss of function by premature protein truncation or nonsense-mediated mRNA decay. As such, this alteration is interpreted as a disease-causing mutation.